The following is an entry in ClinVar:

ClinVar aggregate classification (germline): Uncertain significance (1 of 4 stars; one submission).

gnomAD v4.1: 4 of 1,611,534 alleles (0.00025%); highest among the groups gnomAD compares: Non-Finnish European, 0.00034%; no homozygotes.

Submission:

CeGaT Center for Human Genetics Tuebingen
Classification: Uncertain significance. Last evaluated: 2025-08-01. Review status: criteria provided, single submitter. Criteria: CeGaT Center For Human Genetics Tuebingen Variant Classification Criteria Version 2. Collection method: clinical testing. Allele origin: germline. Affected: yes. Observed: 1 variant allele.
Comment: GUCY2C: PM2, BP4

NM_004963.4(GUCY2C):c.1013T>C (p.Ile338Thr)

Genes: GUCY2C (guanylate cyclase 2C; minus strand), GUCY2C-AS1 (GUCY2C antisense RNA 1; plus strand). Cytogenetic location: 12p12.3.
Variant type: single nucleotide variant.
Coding change: c.1013T>C on transcript NM_004963.4 (MANE Select); coding-DNA position 1013, T replaced by C.
Protein change: p.Ile338Thr; replaces isoleucine 338 with threonine.
Molecular consequence: missense variant.
Genome position (GRCh38, 1-based): chr12:14,674,696, A>G on the plus strand (T>C on the coding strand, the complement: GUCY2C is on the minus strand). VCF-style: chr12-14674696-A-G. GRCh37 (hg19) VCF-style: chr12-14827630-A-G.
Other names: short protein forms I338T.
Identifiers: ClinVar variation 4084284 (VCV004084284.8).